The following is an entry in ClinVar:

ClinVar aggregate classification (germline): Uncertain significance. Review status: criteria provided, multiple submitters, no conflicts (2 of 4 stars). 3 submissions from 3 submitters: Uncertain significance (3). Last evaluated 2025-02-01.

Allele frequency attached by ClinVar (database versions not stated): ExAC 0.00006; gnomAD 0.00010 and 0.00011; gnomAD exomes 0.00010 and 0.00028; TOPMed 0.00016.
gnomAD v4.1: 418 of 1,612,586 alleles (0.026%); highest among the groups gnomAD compares: Non-Finnish European, 0.034%; no homozygotes.

Submissions (3):

CeGaT Center for Human Genetics Tuebingen
Classification: Uncertain significance. Last evaluated: 2025-02-01. Review status: criteria provided, single submitter. Criteria: CeGaT Center For Human Genetics Tuebingen Variant Classification Criteria Version 2. Collection method: clinical testing. Allele origin: germline. Affected: yes. Observed: 2 variant alleles.

GeneDx
Classification: Uncertain significance. Last evaluated: 2024-05-29. Review status: criteria provided, single submitter. Criteria: GeneDx Variant Classification Process June 2021. Collection method: clinical testing. Allele origin: germline. Affected: yes.
Comment: Has not been previously published as pathogenic or benign to our knowledge; In silico analysis supports a deleterious effect on splicing

Labcorp Genetics (formerly Invitae), Labcorp
Classification: Uncertain significance. Last evaluated: 2022-11-03. Review status: criteria provided, single submitter. Criteria: Invitae Variant Classification Sherloc (09022015). Collection method: clinical testing. Allele origin: germline.
Comment: This sequence change affects codon 145 of the ATP6V1E1 mRNA. It is a 'silent' change, meaning that it does not change the encoded amino acid sequence of the ATP6V1E1 protein. This variant also falls at the last nucleotide of exon 6, which is part of the consensus splice site for this exon. This variant is present in population databases (rs200504228, gnomAD 0.02%). This variant has not been reported in the literature in individuals affected with ATP6V1E1-related conditions. ClinVar contains an entry for this variant (Variation ID: 1209436). Variants that disrupt the consensus splice site are a relatively common cause of aberrant splicing (PMID: 17576681, 9536098). Algorithms developed to predict the effect of sequence changes on RNA splicing suggest that this variant may create or strengthen a splice site. In summary, the available evidence is currently insufficient to determine the role of this variant in disease. Therefore, it has been classified as a Variant of Uncertain Significance.

Literature cited by the submitters: PubMed 17576681 (cited by Labcorp Genetics (formerly Invitae), Labcorp); PubMed 9536098 (cited by Labcorp Genetics (formerly Invitae), Labcorp).

NM_001696.4(ATP6V1E1):c.435G>A (p.Lys145=)

Gene: ATP6V1E1 (ATPase H+ transporting V1 subunit E1; minus strand). Cytogenetic location: 22q11.21.
Variant type: single nucleotide variant.
Coding change: c.435G>A on transcript NM_001696.4 (MANE Select); coding-DNA position 435, G replaced by A.
Protein change: p.Lys145=; no amino-acid change (lysine 145 retained).
Molecular consequence: synonymous variant.
Genome position (GRCh38, 1-based): chr22:17,600,027, C>T on the plus strand (G>A on the coding strand, the complement: ATP6V1E1 is on the minus strand). VCF-style: chr22-17600027-C-T. GRCh37 (hg19) VCF-style: chr22-18082793-C-T.
Other names: c.369G>A, p.Lys123= (NM_001039366.1); c.345G>A, p.Lys115= (NM_001039367.1).
Identifiers: ClinVar variation 1209436 (VCV001209436.31), dbSNP rs200504228, ClinGen allele CA10090112.
Genomic context (GRCh38, chr22:17,600,027, plus strand): 5'-GGGGAAGGAAGAAAGGGAGGGGGGAGGGAGGGAGGGAAAAAATTATCCTAAGTTCTTTAC[C>T]TTTACCAGAGGGAAATCTTGTTTCCTGCAACGAACAATCATTCGGGGCTCCAGCAACTGG-3'
Protein context (NP_001687.1, residues 135-155): RCRKQDFPLV[Lys145=]AAVQKAIPMY